The following is an entry in ClinVar:

NM_000038.6(APC):c.2469A>C (p.Ser823=)

Gene: APC (APC regulator of Wnt signaling pathway; plus strand). Cytogenetic location: 5q22.2.
Variant type: single nucleotide variant.
Coding change: c.2469A>C on transcript NM_000038.6 (MANE Select); coding-DNA position 2469, A replaced by C.
Protein change: p.Ser823=; no amino-acid change (serine 823 retained).
Molecular consequence: synonymous variant.
Genome position (GRCh38, 1-based): chr5:112,838,063, A>C. VCF-style: chr5-112838063-A-C. GRCh37 (hg19) VCF-style: chr5-112173760-A-C.
Other names: c.2469A>C, p.Ser823= (NM_001127510.3, NM_001354895.2); c.2415A>C, p.Ser805= (NM_001127511.3); c.2523A>C, p.Ser841= (NM_001354896.2); c.2499A>C, p.Ser833= (NM_001354897.2); c.2394A>C, p.Ser798= (NM_001354898.2); c.2385A>C, p.Ser795= (NM_001354899.2); c.2346A>C, p.Ser782= (NM_001354900.2); c.2292A>C, p.Ser764= (NM_001354901.2); and 5 more.
Identifiers: ClinVar variation 1120801 (VCV001120801.12), dbSNP rs1765189659, ClinGen allele CA445963518.

ClinVar aggregate classification (germline): Benign/Likely benign. Review status: criteria provided, multiple submitters, no conflicts (2 of 4 stars). 3 submissions from 3 submitters: Benign (1); Likely benign (2). Last evaluated 2025-11-11.

Conditions:
Hereditary cancer-predisposing syndrome. Also called: Neoplastic Syndromes, Hereditary; Hereditary Cancer Syndrome; Hereditary neoplastic syndrome; Tumor predisposition. Identifiers: Orphanet 140162, MedGen C0027672, MeSH D009386, MONDO:0015356.
Familial adenomatous polyposis 1 (FAP1). Also called: POLYPOSIS, ADENOMATOUS INTESTINAL; FAMILIAL ADENOMATOUS POLYPOSIS 1, ATTENUATED. Identifiers: MedGen C2713442, MONDO:0021056, OMIM 175100. Disease mechanism: loss of function.

Allele frequency attached by ClinVar (database versions not stated): TOPMed below 0.00001; gnomAD 0.00001.
gnomAD v4.1: 1 of 1,614,174 alleles (0.000062%); no homozygotes.

Submissions (3):

Labcorp Genetics (formerly Invitae), Labcorp
Classification: Likely benign for Familial adenomatous polyposis 1. Last evaluated: 2025-11-11. Review status: criteria provided, single submitter. Criteria: Invitae Variant Classification Sherloc (09022015). Collection method: clinical testing. Allele origin: germline.

Myriad Genetics, Inc.
Classification: Benign for Familial adenomatous polyposis 1. Last evaluated: 2024-03-12. Review status: criteria provided, single submitter. Criteria: Myriad Autosomal Dominant, Autosomal Recessive and X-Linked Classification Criteria (2023). Collection method: clinical testing. Allele origin: unknown.
Comment: This variant is considered benign. This variant is a silent/synonymous amino acid change and it is not expected to impact splicing.

Ambry Genetics
Classification: Likely benign for Hereditary cancer-predisposing syndrome. Last evaluated: 2015-10-15. Review status: criteria provided, single submitter. Criteria: Ambry Variant Classification Scheme 2023. Collection method: clinical testing. Allele origin: germline.